The following is an entry in ClinVar:

ClinVar aggregate classification (germline): Uncertain significance (1 of 4 stars; one submission).

Conditions:
RASopathy. Also called: rasopathies; Noonan spectrum disorder. Identifiers: Orphanet 536391, MedGen C5555857, MONDO:0021060.

Submission:

Labcorp Genetics (formerly Invitae), Labcorp
Classification: Uncertain significance for RASopathy. Last evaluated: 2023-08-11. Review status: criteria provided, single submitter. Criteria: Invitae Variant Classification Sherloc (09022015). Collection method: clinical testing. Allele origin: germline.
Comment: This sequence change replaces threonine, which is neutral and polar, with asparagine, which is neutral and polar, at codon 91 of the CBL protein (p.Thr91Asn). This variant is not present in population databases (gnomAD no frequency). This variant has not been reported in the literature in individuals affected with CBL-related conditions. Advanced modeling of protein sequence and biophysical properties (such as structural, functional, and spatial information, amino acid conservation, physicochemical variation, residue mobility, and thermodynamic stability) has been performed at Invitae for this missense variant, however the output from this modeling did not meet the statistical confidence thresholds required to predict the impact of this variant on CBL protein function. In summary, the available evidence is currently insufficient to determine the role of this variant in disease. Therefore, it has been classified as a Variant of Uncertain Significance.

NM_005188.4(CBL):c.272C>A (p.Thr91Asn)

Gene: CBL (Cbl proto-oncogene; plus strand). Cytogenetic location: 11q23.3.
Variant type: single nucleotide variant.
Coding change: c.272C>A on transcript NM_005188.4 (MANE Select); coding-DNA position 272, C replaced by A.
Protein change: p.Thr91Asn; replaces threonine 91 with asparagine.
Molecular consequence: missense variant.
Genome position (GRCh38, 1-based): chr11:119,232,524, C>A. VCF-style: chr11-119232524-C-A. GRCh37 (hg19) VCF-style: chr11-119103234-C-A.
Other names: short protein forms T91N.
Identifiers: ClinVar variation 2751843 (VCV002751843.3), dbSNP rs2496865893, ClinGen allele CA382894518.